The following is an entry in ClinVar:

ClinVar aggregate classification (germline): Uncertain significance (1 of 4 stars; one submission).

Allele frequency attached by ClinVar (database versions not stated): gnomAD exomes below 0.00001.

Submission:

Labcorp Genetics (formerly Invitae), Labcorp
Classification: Uncertain significance. Last evaluated: 2024-02-26. Review status: criteria provided, single submitter. Criteria: Invitae Variant Classification Sherloc (09022015). Collection method: clinical testing. Allele origin: germline.
Comment: This sequence change replaces leucine, which is neutral and non-polar, with proline, which is neutral and non-polar, at codon 136 of the PLA2G5 protein (p.Leu136Pro). This variant is present in population databases (no rsID available, gnomAD 0.003%). This variant has not been reported in the literature in individuals affected with PLA2G5-related conditions. ClinVar contains an entry for this variant (Variation ID: 1352960). An algorithm developed to predict the effect of missense changes on protein structure and function (PolyPhen-2) suggests that this variant is likely to be disruptive. In summary, the available evidence is currently insufficient to determine the role of this variant in disease. Therefore, it has been classified as a Variant of Uncertain Significance.

NM_000929.3(PLA2G5):c.407T>C (p.Leu136Pro)

Gene: PLA2G5 (phospholipase A2 group V; plus strand). Cytogenetic location: 1p36.13.
Variant type: single nucleotide variant.
Coding change: c.407T>C on transcript NM_000929.3 (MANE Select); coding-DNA position 407, T replaced by C.
Protein change: p.Leu136Pro; replaces leucine 136 with proline.
Molecular consequence: missense variant.
Genome position (GRCh38, 1-based): chr1:20,090,682, T>C. VCF-style: chr1-20090682-T-C. GRCh37 (hg19) VCF-style: chr1-20417175-T-C.
Other names: short protein forms L136P.
Identifiers: ClinVar variation 1352960 (VCV001352960.6), dbSNP rs1212664972, ClinGen allele CA338823217.
Genomic context (GRCh38, chr1:20,090,682, plus strand): 5'-ACTGCCTCAAGAGAAACCTACGGAGCTACAACCCACAGTACCAATACTTTCCCAACATCC[T>C]CTGCTCCTAGGCCTCCCCAGCGAGCTCCTCCCAGACCAAGACTTTTGTTCTGTTTTTCTA-3'
Protein context (NP_000920.1, residues 126-138): NPQYQYFPNI[Leu136Pro]CS